The following is an entry in ClinVar:

NM_001276345.2(TNNT2):c.294T>A (p.Asp98Glu)

Gene: TNNT2 (troponin T2, cardiac type; minus strand). Cytogenetic location: 1q32.1.
Variant type: single nucleotide variant.
Coding change: c.294T>A on transcript NM_001276345.2 (MANE Select); coding-DNA position 294, T replaced by A.
Protein change: p.Asp98Glu; replaces aspartic acid 98 with glutamic acid.
Molecular consequence: missense variant.
Genome position (GRCh38, 1-based): chr1:201,365,610, A>T on the plus strand (T>A on the coding strand, the complement: TNNT2 is on the minus strand). VCF-style: chr1-201365610-A-T. GRCh37 (hg19) VCF-style: chr1-201334738-A-T.
Other names: c.294T>A, p.Asp98Glu (NM_000364.4); c.264T>A, p.Asp88Glu (NM_001001430.3, NM_001001431.3, NM_001276347.2); c.249T>A, p.Asp83Glu (NM_001001432.3); c.291T>A, p.Asp97Glu (NM_001276346.2); short protein forms D97E, D98E, D83E, D88E.
Identifiers: ClinVar variation 666939 (VCV000666939.5), dbSNP rs397516454, ClinGen allele CA344206634.

ClinVar aggregate classification (germline): Likely pathogenic (1 of 4 stars; one submission).

Conditions:
Primary dilated cardiomyopathy (DCM). Also called: Dilated Cardiomyopathy. Identifiers: Orphanet 217604, MedGen C0007193, MeSH D002311, MONDO:0005021, HP:0001644. Inheritance: Various modes of inheritance.

Submission:

Laboratory for Molecular Medicine, Mass General Brigham Personalized Medicine
Classification: Likely pathogenic for Primary dilated cardiomyopathy. Last evaluated: 2019-05-14. Review status: criteria provided, single submitter. Criteria: LMM Criteria. Collection method: clinical testing. Allele origin: germline. Inheritance: Autosomal dominant inheritance. Observed: 1 variant allele.
Comment: Computational prediction tools and conservation analysis suggest that the p.Asp88Glu variant may impact the protein, though this information is not predictive enough to determine pathogenicity. In addition, this variant is located in the last three bases of the exon, which is part of the 5â€™ splice region. While computational tools do not predict an impact on splicing, these tools may not accurately predict biological function. In summary, although additional studies are required to fully establish its clinical significance, the p.Asp88Glu (c.264T>A) variant meets criteria to be classified as likely pathogenic for autosomal dominant dilated cardiomyopathy. ACMG/AMP Criteria applied: PM2, PM6, PP3, PS1_Supporting.